The following is an entry in ClinVar:

ClinVar aggregate classification (germline): Uncertain significance (1 of 4 stars; one submission).

Conditions:
Hereditary breast ovarian cancer syndrome. Also called: BRCA1- and BRCA2-Associated Hereditary Breast and Ovarian Cancer; Hereditary breast and ovarian cancer; Hereditary breast and/or ovarian cancer syndrome; Hereditary breast and ovarian cancer syndrome; Hereditary breast and ovarian cancer syndrome (HBOC); Breast and ovarian cancer. Identifiers: Orphanet 145, MedGen C0677776, MeSH D061325, MONDO:0003582. Disease mechanism: loss of function.

Submission:

Labcorp Genetics (formerly Invitae), Labcorp
Classification: Uncertain significance for Hereditary breast ovarian cancer syndrome. Last evaluated: 2019-08-12. Review status: criteria provided, single submitter. Criteria: Invitae Variant Classification Sherloc (09022015). Collection method: clinical testing. Allele origin: germline.
Comment: This sequence change replaces valine with glutamic acid at codon 3082 of the BRCA2 protein (p.Val3082Glu). The valine residue is weakly conserved and there is a moderate physicochemical difference between valine and glutamic acid. This variant is not present in population databases (ExAC no frequency). This variant has not been reported in the literature in individuals with BRCA2-related conditions. Algorithms developed to predict the effect of missense changes on protein structure and function are either unavailable or do not agree on the potential impact of this missense change (SIFT: "Tolerated"; PolyPhen-2: "Probably Damaging"; Align-GVGD: "Class C0"). In summary, the available evidence is currently insufficient to determine the role of this variant in disease. Therefore, it has been classified as a Variant of Uncertain Significance.

NM_000059.4(BRCA2):c.9245T>A (p.Val3082Glu)

Gene: BRCA2 (BRCA2 DNA repair associated; plus strand). Cytogenetic location: 13q13.1.
Variant type: single nucleotide variant.
Coding change: c.9245T>A on transcript NM_000059.4 (MANE Select); coding-DNA position 9245, T replaced by A.
Protein change: p.Val3082Glu; replaces valine 3082 with glutamic acid.
Molecular consequence: missense variant.
Genome position (GRCh38, 1-based): chr13:32,380,134, T>A. VCF-style: chr13-32380134-T-A. GRCh37 (hg19) VCF-style: chr13-32954271-T-A.
Other names: short protein forms V3082E.
Identifiers: ClinVar variation 962376 (VCV000962376.10), dbSNP rs587782829, ClinGen allele CA387758644.